The following is an entry in ClinVar:

NM_001287.6(CLCN7):c.1517G>T (p.Gly506Val)

Gene: CLCN7 (chloride voltage-gated channel 7; minus strand). Cytogenetic location: 16p13.3.
Variant type: single nucleotide variant.
Coding change: c.1517G>T on transcript NM_001287.6 (MANE Select); coding-DNA position 1517, G replaced by T.
Protein change: p.Gly506Val; replaces glycine 506 with valine.
Molecular consequence: missense variant.
Genome position (GRCh38, 1-based): chr16:1,450,597, C>A on the plus strand (G>T on the coding strand, the complement: CLCN7 is on the minus strand). VCF-style: chr16-1450597-C-A. GRCh37 (hg19) VCF-style: chr16-1500598-C-A.
Other names: c.1445G>T, p.Gly482Val (NM_001114331.3); short protein forms G482V, G506V.
Identifiers: ClinVar variation 1713403 (VCV001713403.5), dbSNP rs2505819502, ClinGen allele CA394187612.

ClinVar aggregate classification (germline): Uncertain significance (1 of 4 stars; one submission).

Submission:

Labcorp Genetics (formerly Invitae), Labcorp
Classification: Uncertain significance. Last evaluated: 2022-07-23. Review status: criteria provided, single submitter. Criteria: Invitae Variant Classification Sherloc (09022015). Collection method: clinical testing. Allele origin: germline.
Comment: This variant has not been reported in the literature in individuals affected with CLCN7-related conditions. Advanced modeling of protein sequence and biophysical properties (such as structural, functional, and spatial information, amino acid conservation, physicochemical variation, residue mobility, and thermodynamic stability) performed at Invitae indicates that this missense variant is expected to disrupt CLCN7 protein function. In summary, the available evidence is currently insufficient to determine the role of this variant in disease. Therefore, it has been classified as a Variant of Uncertain Significance. This variant is not present in population databases (gnomAD no frequency). This sequence change replaces glycine, which is neutral and non-polar, with valine, which is neutral and non-polar, at codon 506 of the CLCN7 protein (p.Gly506Val).